The following is an entry in ClinVar:

NM_033159.4(HYAL1):c.201del (p.Gly68fs)

Gene: HYAL1 (hyaluronidase 1; minus strand). Cytogenetic location: 3p21.31.
Variant type: Deletion.
Coding change: c.201del on transcript NM_033159.4 (MANE Select); coding-DNA position 201, one base deleted (C; older notation c.201delC).
Protein change: p.Gly68fs; shifts the reading frame from glycine 68.
Molecular consequence: frameshift variant. On other transcripts: non-coding transcript variant (1), intron variant (2).
Genome position (GRCh38, 1-based): chr3:50,302,756, G deleted on the plus strand (C on the coding strand, the reverse complement: HYAL1 is on the minus strand). VCF-style (leftmost placement, unchanged base first): chr3-50302755-CG-C. GRCh37 (hg19) VCF-style: chr3-50340186-CG-C.
Other names: c.201del (NM_153281.1); c.201delC, p.Gly68Alafs (NM_007312.3); c.201del, p.Gly68fs (NM_153281.2, NM_153282.3); c.-26-551del (NM_153285.3); c.-213-133del (NM_153283.3); short protein forms G68fs.
Identifiers: ClinVar variation 2743470 (VCV002743470.4), dbSNP rs2470852349, ClinGen allele CA2697550976.

ClinVar aggregate classification (germline): Pathogenic/Likely pathogenic. Review status: criteria provided, multiple submitters, no conflicts (2 of 4 stars). 2 submissions from 2 submitters: Pathogenic (1); Likely pathogenic (1). Last evaluated 2025-08-24.

Conditions:
Deficiency of hyaluronoglucosaminidase (MPS9). Also called: HYALURONIDASE DEFICIENCY; MPS IX; Mucopolysaccharidosis type 9. Identifiers: Orphanet 67041, MedGen C1291490, MONDO:0011093, OMIM 601492.

Submissions (2):

Natera, Inc.
Classification: Likely pathogenic for Mucopolysaccharidosis type IX. Last evaluated: 2025-08-24. Review status: criteria provided, single submitter. Criteria: Natera Variant Classification Schema (03/2026). Collection method: clinical testing. Allele origin: germline.
Comment: The c.201del variant in HYAL1 is a frameshift variant predicted to shift the reading frame beginning at codon 68 and leads to a stop codon 4 codons downstream. This variant is expected to result in nonsense mediated decay, truncation, or a dysfunctional protein product. This variant is rare in the general population with a frequency below the threshold expected for the associated phenotype(s). Given the available evidence, this variant is classified as Likely Pathogenic.

Labcorp Genetics (formerly Invitae), Labcorp
Classification: Pathogenic for Deficiency of hyaluronoglucosaminidase. Last evaluated: 2023-07-24. Review status: criteria provided, single submitter. Criteria: Invitae Variant Classification Sherloc (09022015). Collection method: clinical testing. Allele origin: germline.
Comment: This sequence change creates a premature translational stop signal (p.Gly68Alafs*4) in the HYAL1 gene. It is expected to result in an absent or disrupted protein product. Loss-of-function variants in HYAL1 are known to be pathogenic (PMID: 10339581, 21559944). This variant is not present in population databases (gnomAD no frequency). This variant has not been reported in the literature in individuals affected with HYAL1-related conditions. For these reasons, this variant has been classified as Pathogenic.

Literature cited by the submitters: PubMed 10339581 (cited by Labcorp Genetics (formerly Invitae), Labcorp); PubMed 21559944 (cited by Labcorp Genetics (formerly Invitae), Labcorp).